The following is an entry in ClinVar:

NM_002087.4(GRN):c.1530T>A (p.Arg510=)

Gene: GRN (granulin precursor; plus strand). Cytogenetic location: 17q21.31.
Variant type: single nucleotide variant.
Coding change: c.1530T>A on transcript NM_002087.4 (MANE Select); coding-DNA position 1530, T replaced by A.
Protein change: p.Arg510=; no amino-acid change (arginine 510 retained).
Molecular consequence: synonymous variant.
Genome position (GRCh38, 1-based): chr17:44,352,457, T>A. VCF-style: chr17-44352457-T-A. GRCh37 (hg19) VCF-style: chr17-42429825-T-A.
Identifiers: ClinVar variation 4534901 (VCV004534901.6).

ClinVar aggregate classification (germline): Likely benign (1 of 4 stars; one submission).

Submission:

CeGaT Center for Human Genetics Tuebingen
Classification: Likely benign. Last evaluated: 2025-09-01. Review status: criteria provided, single submitter. Criteria: CeGaT Center For Human Genetics Tuebingen Variant Classification Criteria Version 2. Collection method: clinical testing. Allele origin: germline. Affected: yes. Observed: 1 variant allele.
Comment: GRN: PM2:Supporting, BP4, BP7